The following is an entry in ClinVar:

NM_170665.4(ATP2A2):c.2071C>A (p.Gln691Lys)

Genes: ATP2A2 (ATPase sarcoplasmic/endoplasmic reticulum Ca2+ transporting 2; plus strand), LOC126861637 (MED14-independent group 3 enhancer GRCh37_chr12:110778306-110779505; plus strand). Cytogenetic location: 12q24.11.
Variant type: single nucleotide variant.
Coding change: c.2071C>A on transcript NM_170665.4 (MANE Select); coding-DNA position 2071, C replaced by A.
Protein change: p.Gln691Lys; replaces glutamine 691 with lysine.
Molecular consequence: missense variant.
Genome position (GRCh38, 1-based): chr12:110,340,968, C>A. VCF-style: chr12-110340968-C-A. GRCh37 (hg19) VCF-style: chr12-110778773-C-A.
Other names: c.1966C>A, p.Gln656Lys (NM_001413013.1); c.2071C>A, p.Gln691Lys (NM_001413014.1, NM_001681.4); c.1696C>A, p.Gln566Lys (NM_001413015.1); short protein forms Q566K, Q656K, Q691K.
Identifiers: ClinVar variation 1720887 (VCV001720887.6), dbSNP rs2548562456, ClinGen allele CA386675319.

ClinVar aggregate classification (germline): Uncertain significance (1 of 4 stars; one submission).

Submission:

Labcorp Genetics (formerly Invitae), Labcorp
Classification: Uncertain significance. Last evaluated: 2022-10-08. Review status: criteria provided, single submitter. Criteria: Invitae Variant Classification Sherloc (09022015). Collection method: clinical testing. Allele origin: germline.
Comment: In summary, the available evidence is currently insufficient to determine the role of this variant in disease. Therefore, it has been classified as a Variant of Uncertain Significance. Advanced modeling of protein sequence and biophysical properties (such as structural, functional, and spatial information, amino acid conservation, physicochemical variation, residue mobility, and thermodynamic stability) performed at Invitae indicates that this missense variant is not expected to disrupt ATP2A2 protein function. This variant has not been reported in the literature in individuals affected with ATP2A2-related conditions. This variant is not present in population databases (gnomAD no frequency). This sequence change replaces glutamine, which is neutral and polar, with lysine, which is basic and polar, at codon 691 of the ATP2A2 protein (p.Gln691Lys).